The following is an entry in ClinVar:

ClinVar aggregate classification (germline): Uncertain significance. Review status: criteria provided, multiple submitters, no conflicts (2 of 4 stars). 4 submissions from 4 submitters: Uncertain significance (4). Last evaluated 2026-05-27.

Conditions:
Inborn genetic diseases. Identifiers: MedGen C0950123, MeSH D030342.
RIGI-related disorder. Also called: RIGI-related condition.

Allele frequency attached by ClinVar (database versions not stated): TOPMed below 0.00001; ExAC 0.00001; gnomAD 0.00001; gnomAD exomes 0.00001.
gnomAD v4.1: 8 of 1,614,062 alleles (0.0005%); highest among the groups gnomAD compares: Admixed American, 0.0033%; no homozygotes.

Submissions (4):

PreventionGenetics, part of Exact Sciences
Classification: Uncertain significance for RIGI-related condition. Last evaluated: 2026-05-27. Review status: criteria provided, single submitter. Criteria: ACMG Guidelines, 2015. Collection method: clinical testing. Allele origin: germline.
Comment: The RIGI c.2587T>C variant is predicted to result in the amino acid substitution p.Phe863Leu. To our knowledge, this variant has not been reported in the literature. This variant is reported in 0.0056% of alleles in individuals of Latino descent in gnomAD. At this time, the clinical significance of this variant is uncertain due to the absence of conclusive functional and genetic evidence.

Blueprint Genetics
Classification: Uncertain significance. Last evaluated: 2024-04-26. Review status: criteria provided, single submitter. Criteria: ACMG Guidelines, 2015. Collection method: clinical testing. Allele origin: germline.

Labcorp Genetics (formerly Invitae), Labcorp
Classification: Uncertain significance. Last evaluated: 2023-08-16. Review status: criteria provided, single submitter. Criteria: Invitae Variant Classification Sherloc (09022015). Collection method: clinical testing. Allele origin: germline.
Comment: This sequence change replaces phenylalanine, which is neutral and non-polar, with leucine, which is neutral and non-polar, at codon 863 of the DDX58 protein (p.Phe863Leu). This variant is present in population databases (rs756211210, gnomAD 0.006%). In summary, the available evidence is currently insufficient to determine the role of this variant in disease. Therefore, it has been classified as a Variant of Uncertain Significance. Advanced modeling of protein sequence and biophysical properties (such as structural, functional, and spatial information, amino acid conservation, physicochemical variation, residue mobility, and thermodynamic stability) performed at Invitae indicates that this missense variant is not expected to disrupt DDX58 protein function. ClinVar contains an entry for this variant (Variation ID: 2531403). This variant has not been reported in the literature in individuals affected with DDX58-related conditions.

Ambry Genetics
Classification: Uncertain significance for Inborn genetic diseases. Last evaluated: 2023-03-29. Review status: criteria provided, single submitter. Criteria: Ambry Variant Classification Scheme 2023. Collection method: clinical testing. Allele origin: germline.

NM_014314.4(RIGI):c.2587T>C (p.Phe863Leu)

Gene: RIGI (RNA sensor RIG-I; minus strand). Cytogenetic location: 9p21.1.
Variant type: single nucleotide variant.
Coding change: c.2587T>C on transcript NM_014314.4 (MANE Select); coding-DNA position 2587, T replaced by C.
Protein change: p.Phe863Leu; replaces phenylalanine 863 with leucine.
Molecular consequence: missense variant.
Genome position (GRCh38, 1-based): chr9:32,457,313, A>G on the plus strand (T>C on the coding strand, the complement: RIGI is on the minus strand). VCF-style: chr9-32457313-A-G. GRCh37 (hg19) VCF-style: chr9-32457311-A-G.
Other names: c.2581T>C, p.Phe861Leu (NM_001385907.1); c.2416T>C, p.Phe806Leu (NM_001385909.1); c.2146T>C, p.Phe716Leu (NM_001385910.1); c.1978T>C, p.Phe660Leu (NM_001385912.1); c.2572T>C, p.Phe858Leu (NM_001385913.1); c.2143T>C, p.Phe715Leu (NM_001385914.1); short protein forms F715L, F861L, F660L, F858L, F716L, F806L, F863L.
Identifiers: ClinVar variation 2531403 (VCV002531403.7), dbSNP rs756211210, ClinGen allele CA5019449.